The following is an entry in ClinVar:

NC_000017.10:g.(?_33427972)_(33430573_?)del

Gene: RAD51D (RAD51 paralog D; minus strand). Cytogenetic location: 17q12.
Variant type: Deletion.
Identifiers: ClinVar variation 1072694 (VCV001072694.1).

ClinVar aggregate classification (germline): Pathogenic (1 of 4 stars; one submission).

Conditions:
Breast-ovarian cancer, familial, susceptibility to, 4. Identifiers: Orphanet 145, MedGen C3280345, MONDO:0013669, OMIM 614291.

Submission:

Labcorp Genetics (formerly Invitae), Labcorp
Classification: Pathogenic for Breast-ovarian cancer, familial, susceptibility to, 4. Last evaluated: 2020-05-12. Review status: criteria provided, single submitter. Criteria: Invitae Variant Classification Sherloc (09022015). Collection method: clinical testing. Allele origin: germline.
Comment: This variant is a gross deletion of the genomic region encompassing exons 7-10 of the RAD51D gene. The 5' boundary is likely confined to intron 6. The 3' end of this event is unknown as it extends through the termination codon beyond the assayed region for this gene and may encompass additional genes. While this deletion is not anticipated to result in nonsense mediated decay, it is expected to create a truncated RAD51D protein. While a deletion of exons 7-10 has not been reported in the literature, a similar deletion of exons 9-10 was found to segregate in a family with ovarian cancer (Invitae database). This gross deletion is expected to remove the C-terminus of the ATPase domain of the RAD51D protein (PMID: 14704354, 19327148, 21111057), which is required for interacting with RAD51C during homologous recombination (HR) repair (PMID: 14704354, 19327148). Experimental studies have shown that a splice variant (RAD51DÅ’Ã®8) with a smaller deletion of exons 8-10 does not interact with RAD51C and does not complement DNA crosslink repair activity in mouse Rad51d-deficient cells (PMID: 19327148). For these reasons, this variant has been classified as Pathogenic.

Literature cited by the submitters: PubMed 14704354; PubMed 19327148; PubMed 21111057.